The following is an entry in ClinVar:

ClinVar aggregate classification (germline): Uncertain significance. Review status: criteria provided, multiple submitters, no conflicts (2 of 4 stars). 2 submissions from 2 submitters: Uncertain significance (2). Last evaluated 2025-01-23.

Conditions:
Hereditary spastic paraplegia 48. Also called: SPASTIC PARAPLEGIA 48, AUTOSOMAL RECESSIVE; Spastic paraplegia 48. Identifiers: Orphanet 306511, MedGen C3150901, MONDO:0013342, OMIM 613647.
Inborn genetic diseases. Identifiers: MedGen C0950123, MeSH D030342.

Allele frequency attached by ClinVar (database versions not stated): ExAC 0.00002; gnomAD exomes 0.00002; TOPMed 0.00004; 1000 Genomes Project 30x 0.00016; 1000 Genomes Project 0.00020.
gnomAD v4.1: 39 of 1,606,782 alleles (0.0024%); highest among the groups gnomAD compares: African/African-American, 0.0067%; no homozygotes.

Submissions (2):

Ambry Genetics
Classification: Uncertain significance for Inborn genetic diseases. Last evaluated: 2025-01-23. Review status: criteria provided, single submitter. Criteria: Ambry Variant Classification Scheme 2023. Collection method: clinical testing. Allele origin: germline.

Labcorp Genetics (formerly Invitae), Labcorp
Classification: Uncertain significance for Hereditary spastic paraplegia 48. Last evaluated: 2023-12-11. Review status: criteria provided, single submitter. Criteria: Invitae Variant Classification Sherloc (09022015). Collection method: clinical testing. Allele origin: germline.
Comment: This sequence change replaces arginine, which is basic and polar, with histidine, which is basic and polar, at codon 303 of the AP5Z1 protein (p.Arg303His). This variant is present in population databases (rs201206140, gnomAD 0.006%). This variant has not been reported in the literature in individuals affected with AP5Z1-related conditions. ClinVar contains an entry for this variant (Variation ID: 2080593). Advanced modeling of protein sequence and biophysical properties (such as structural, functional, and spatial information, amino acid conservation, physicochemical variation, residue mobility, and thermodynamic stability) performed at Invitae indicates that this missense variant is expected to disrupt AP5Z1 protein function with a positive predictive value of 80%. In summary, the available evidence is currently insufficient to determine the role of this variant in disease. Therefore, it has been classified as a Variant of Uncertain Significance.

NM_014855.3(AP5Z1):c.908G>A (p.Arg303His)

Gene: AP5Z1 (adaptor related protein complex 5 subunit zeta 1; plus strand). Cytogenetic location: 7p22.1.
Variant type: single nucleotide variant.
Coding change: c.908G>A on transcript NM_014855.3 (MANE Select); coding-DNA position 908, G replaced by A.
Protein change: p.Arg303His; replaces arginine 303 with histidine.
Molecular consequence: missense variant. On other transcripts: non-coding transcript variant (1).
Genome position (GRCh38, 1-based): chr7:4,785,025, G>A. VCF-style: chr7-4785025-G-A. GRCh37 (hg19) VCF-style: chr7-4824656-G-A.
Other names: c.908G>A (NM_014855.2); c.440G>A, p.Arg147His (NM_001364858.1); short protein forms R147H, R303H.
Identifiers: ClinVar variation 2080593 (VCV002080593.5), dbSNP rs201206140, ClinGen allele CA4137446.